The following is an entry in ClinVar:

ClinVar aggregate classification (germline): not provided (0 of 4 stars; one submission).

Allele frequency attached by ClinVar (database versions not stated): gnomAD exomes 0.00002 and 0.00006; ExAC 0.00008; gnomAD 0.00017 and 0.00018; TOPMed 0.00018; ESP Exome Variant Server 0.00023.
gnomAD v4.1: 61 of 1,614,130 alleles (0.0038%); highest among the groups gnomAD compares: African/African-American, 0.064%; 1 homozygote.

Submission:

Human Evolutionary Genetics, Institut Pasteur
No classification provided. Review status: no classification provided. Collection method: not provided. Allele origin: germline.
ClinVar note: Converted during submission from untested to not provided.

NM_176820.4(NLRP9):c.1022G>T (p.Trp341Leu)

Gene: NLRP9 (NLR family pyrin domain containing 9; minus strand). Cytogenetic location: 19q13.42.
Variant type: single nucleotide variant.
Coding change: c.1022G>T on transcript NM_176820.4 (MANE Select); coding-DNA position 1022, G replaced by T.
Protein change: p.Trp341Leu; replaces tryptophan 341 with leucine.
Molecular consequence: missense variant.
Genome position (GRCh38, 1-based): chr19:55,732,809, C>A on the plus strand (G>T on the coding strand, the complement: NLRP9 is on the minus strand). VCF-style: chr19-55732809-C-A. GRCh37 (hg19) VCF-style: chr19-56244175-C-A.
Other names: short protein forms W341L.
Identifiers: ClinVar variation 132875 (VCV000132875.2), dbSNP rs199475847, ClinGen allele CA231724.
Genomic context (GRCh38, chr19:55,732,809, plus strand): 5'-GAGTTTATTTCAAGGTCTTCTCCCCTCTCTAGCCTCTGTTTCACACAAGTACAGACCAAC[C>A]AGCACGTAAAGGGATTATGGCACAAGATAAACAGCGGCCCATTATCTCTCACAAAATTGA-3'
Protein context (NP_789790.2, residues 331-351): FILCHNPFTC[Trp341Leu]LVCTCVKQRL